The following is an entry in ClinVar:

ClinVar aggregate classification (germline): Uncertain significance (1 of 4 stars; one submission).

gnomAD v4.1: 29 of 1,613,654 alleles (0.0018%); highest among the groups gnomAD compares: Non-Finnish European, 0.0023%; no homozygotes.

Submission:

Women's Health and Genetics/Laboratory Corporation of America, LabCorp
Classification: Uncertain significance. Last evaluated: 2024-10-11. Review status: criteria provided, single submitter. Criteria: LabCorp Variant Classification Summary - May 2015. Collection method: clinical testing. Allele origin: germline.
Comment: Variant summary: KMT2C c.6416G>A (p.Arg2139Gln) results in a conservative amino acid change in the encoded protein sequence. Three of five in-silico tools predict a benign effect of the variant on protein function. The variant allele was found at a frequency of 4e-06 in 251104 control chromosomes. The available data on variant occurrences in the general population are insufficient to allow any conclusion about variant significance. To our knowledge, no occurrence of c.6416G>A in individuals affected with Kleefstra Syndrome 2 and no experimental evidence demonstrating its impact on protein function have been reported. No submitters have cited clinical-significance assessments for this variant to ClinVar. Based on the evidence outlined above, the variant was classified as uncertain significance.

NM_170606.3(KMT2C):c.6416G>A (p.Arg2139Gln)

Gene: KMT2C (lysine methyltransferase 2C; minus strand). Cytogenetic location: 7q36.1.
Variant type: single nucleotide variant.
Coding change: c.6416G>A on transcript NM_170606.3 (MANE Select); coding-DNA position 6416, G replaced by A.
Protein change: p.Arg2139Gln; replaces arginine 2139 with glutamine.
Molecular consequence: missense variant.
Genome position (GRCh38, 1-based): chr7:152,181,444, C>T on the plus strand (G>A on the coding strand, the complement: KMT2C is on the minus strand). VCF-style: chr7-152181444-C-T. GRCh37 (hg19) VCF-style: chr7-151878529-C-T.
Other names: short protein forms R2139Q.
Identifiers: ClinVar variation 3384747 (VCV003384747.1).